The following is an entry in ClinVar:

NM_015693.4(INTU):c.1450-9_1450-8dup

Gene: INTU (inturned planar cell polarity protein; plus strand). Cytogenetic location: 4q28.1.
Variant type: Duplication.
Coding change: c.1450-9_1450-8dup on transcript NM_015693.4 (MANE Select); 9 bases into the intron before coding-DNA position 1450 through 8 bases into the intron before coding-DNA position 1450, 2 bases duplicated (TT; older notation c.1450-9_1450-8dupTT).
Molecular consequence: intron variant.
Genome position (GRCh38, 1-based): chr4:127,700,001-127,700,002, TT duplicated; duplicating any 2 consecutive bases within chr4:127,699,990-127,700,002 gives the same sequence; the c. name uses the placement nearest the transcript's 3' end. VCF-style (leftmost placement, unchanged base first): chr4-127699989-C-CTT. GRCh37 (hg19) VCF-style: chr4-128621144-C-CTT.
Identifiers: ClinVar variation 3053672 (VCV003053672.2), dbSNP rs377528224, ClinGen allele CA554725734.

ClinVar aggregate classification (germline): Likely benign (0 of 4 stars; one submission).

Conditions:
INTU-related disorder. Also called: INTU-related condition.

Submission:

PreventionGenetics, part of Exact Sciences
Classification: Likely benign for INTU-related condition. Last evaluated: 2019-08-20. Review status: no assertion criteria provided. Collection method: clinical testing. Allele origin: germline.
Comment: This variant is classified as likely benign based on ACMG/AMP sequence variant interpretation guidelines (Richards et al. 2015 PMID: 25741868, with internal and published modifications).